The following is an entry in ClinVar:

NM_003791.4(MBTPS1):c.393del (p.Val132fs)

Gene: MBTPS1 (membrane bound transcription factor peptidase, site 1; minus strand). Cytogenetic location: 16q23.3.
Variant type: Deletion.
Coding change: c.393del on transcript NM_003791.4 (MANE Select); coding-DNA position 393, one base deleted (A; older notation c.393delA).
Protein change: p.Val132fs; shifts the reading frame from valine 132.
Molecular consequence: frameshift variant.
Genome position (GRCh38, 1-based): chr16:84,099,081, T deleted on the plus strand (A on the coding strand, the reverse complement: MBTPS1 is on the minus strand); the first of 4 consecutive T bases (chr16:84,099,081-84,099,084); deleting any one gives the same sequence. VCF-style (leftmost placement, unchanged base first): chr16-84099080-CT-C. GRCh37 (hg19) VCF-style: chr16-84132685-CT-C.
Other names: short protein forms V132fs.
Identifiers: ClinVar variation 4713215 (VCV004713215.1).

ClinVar aggregate classification (germline): Pathogenic (1 of 4 stars; one submission).

Submission:

Labcorp Genetics (formerly Invitae), Labcorp
Classification: Pathogenic. Last evaluated: 2025-02-23. Review status: criteria provided, single submitter. Criteria: Invitae Variant Classification Sherloc (09022015). Collection method: clinical testing. Allele origin: germline.
Comment: This sequence change creates a premature translational stop signal (p.Val132Serfs*55) in the MBTPS1 gene. It is expected to result in an absent or disrupted protein product. Loss-of-function variants in MBTPS1 are known to be pathogenic (PMID: 30046013). This variant is not present in population databases (gnomAD no frequency). This variant has not been reported in the literature in individuals affected with MBTPS1-related conditions. For these reasons, this variant has been classified as Pathogenic.

Literature cited by the submitters: PubMed 30046013.